The following is an entry in ClinVar:

NM_014244.5(ADAMTS2):c.80_88dup (p.Leu27_Pro29dup)

Gene: ADAMTS2 (ADAM metallopeptidase with thrombospondin type 1 motif 2; minus strand). Cytogenetic location: 5q35.3.
Variant type: Duplication.
Coding change: c.80_88dup on transcript NM_014244.5 (MANE Select); coding-DNA positions 80 to 88, 9 bases duplicated (TCCTGCCGC; older notation c.80_88dupTCCTGCCGC).
Protein change: p.Leu27_Pro29dup.
Molecular consequence: inframe insertion.
Genome position (GRCh38, 1-based): chr5:179,345,241-179,345,249, GCGGCAGGA duplicated on the plus strand (TCCTGCCGC on the coding strand, the reverse complement: ADAMTS2 is on the minus strand); duplicating any 9 consecutive bases within chr5:179,345,241-179,345,254 gives the same sequence; the c. name uses the placement nearest the transcript's 3' end. VCF-style (leftmost placement, unchanged base first): chr5-179345240-G-GGCGGCAGGA. GRCh37 (hg19) VCF-style: chr5-178772241-G-GGCGGCAGGA.
Other names: p.Leu27_Pro29dup; c.80_88dup, p.Leu27_Pro29dup (NM_021599.4); c.80_88dup (NM_014244.4).
Identifiers: ClinVar variation 421230 (VCV000421230.14), dbSNP rs775509290, ClinGen allele CA3596390.

ClinVar aggregate classification (germline): Conflicting classifications of pathogenicity. Review status: criteria provided, conflicting classifications (1 of 4 stars). 7 submissions from 7 submitters: Uncertain significance (1); Benign (3); Likely benign (3). Last evaluated 2024-11-12.

Conditions:
Ehlers-Danlos syndrome (EDS). Identifiers: Orphanet 98249, MedGen C0013720, MONDO:0020066.
Ehlers-Danlos syndrome, dermatosparaxis type. Also called: Dermatosparaxis; EDS VIIC; Ehlers-Danlos syndrome, type VII, autosomal recessive. Identifiers: Orphanet 1901, MedGen C2700425, MONDO:0009161, OMIM 225410.

Submissions (7):

Blueprint Genetics
Classification: Likely benign. Last evaluated: 2024-11-12. Review status: criteria provided, single submitter. Criteria: ACMG Guidelines, 2015. Collection method: clinical testing. Allele origin: germline.

Mayo Clinic Laboratories, Mayo Clinic
Classification: Benign. Last evaluated: 2024-04-11. Review status: criteria provided, single submitter. Criteria: ACMG Guidelines, 2015. Collection method: clinical testing. Allele origin: germline. Observed: 19 variant alleles.
Comment: BS1, BS2, BP3

Women's Health and Genetics/Laboratory Corporation of America, LabCorp
Classification: Benign. Last evaluated: 2023-02-15. Review status: criteria provided, single submitter. Criteria: LabCorp Variant Classification Summary - May 2015. Collection method: clinical testing. Allele origin: germline.
Comment: Variant summary: ADAMTS2 c.80_88dupTCCTGCCGC (p.Leu27_Pro29dup) results in an in-frame duplication that is predicted to duplicate 3 amino acids into the encoded protein. The variant allele was found at a frequency of 0.012 in 146532 control chromosomes, predominantly at a frequency of 0.041 within the African or African-American subpopulation in the gnomAD v3.1.2 database, including 36 homozygotes. The observed variant frequency within African or African-American control individuals in the gnomAD database is approximately 14-fold of the estimated maximal expected allele frequency for a pathogenic variant in ADAMTS2 causing Ehlers-Danlos Syndrome, Type VIIC (Dermatosparaxis) phenotype (0.0029), strongly suggesting that the variant is a benign polymorphism found primarily in populations of African or African-American origin. To our knowledge, no occurrence of c.80_88dupTCCTGCCGC in individuals affected with Ehlers-Danlos Syndrome, Type VIIC (Dermatosparaxis) and no experimental evidence demonstrating its impact on protein function have been reported. Four clinical diagnostic laboratories have submitted clinical-significance assessments for this variant to ClinVar after 2014 and classified the variant as benign/likely benign (n=3) and as uncertain significance (n=1). Based on the evidence outlined above, the variant was classified as benign.

Labcorp Genetics (formerly Invitae), Labcorp
Classification: Uncertain significance for Ehlers-Danlos syndrome, dermatosparaxis type. Last evaluated: 2022-10-17. Review status: criteria provided, single submitter. Criteria: Invitae Variant Classification Sherloc (09022015). Collection method: clinical testing. Allele origin: germline.
Comment: This variant, c.80_88dup, results in the insertion of 3 amino acid(s) of the ADAMTS2 protein (p.Leu27_Pro29dup), but otherwise preserves the integrity of the reading frame. The frequency data for this variant in the population databases is considered unreliable, as metrics indicate poor data quality at this position in the gnomAD database. This variant has not been reported in the literature in individuals affected with ADAMTS2-related conditions. ClinVar contains an entry for this variant (Variation ID: 421230). Experimental studies and prediction algorithms are not available or were not evaluated, and the functional significance of this variant is currently unknown. In summary, the available evidence is currently insufficient to determine the role of this variant in disease. Therefore, it has been classified as a Variant of Uncertain Significance.

Genome Diagnostics Laboratory, The Hospital for Sick Children
Classification: Likely benign for Ehlers-Danlos syndrome. Last evaluated: 2021-07-02. Review status: criteria provided, single submitter. Criteria: ACMG Guidelines, 2015. Collection method: clinical testing. Allele origin: germline.

Eurofins Ntd Llc (ga)
Classification: Likely benign. Last evaluated: 2018-08-07. Review status: criteria provided, single submitter. Criteria: EGL ClinVar v180209 classification definitions. Collection method: clinical testing. Allele origin: germline. Observed: 1 variant allele, 1 heterozygote.

GeneDx
Classification: Benign. Last evaluated: 2018-04-10. Review status: criteria provided, single submitter. Criteria: GeneDx Variant Classification Process June 2021. Collection method: clinical testing. Allele origin: germline. Affected: yes.